The following is an entry in ClinVar:

ClinVar aggregate classification (germline): Pathogenic (1 of 4 stars; one submission).

Conditions:
Neurofibromatosis, type 1 (NF1). Also called: VON RECKLINGHAUSEN DISEASE; Neurofibromatosis, type I; Peripheral type neurofibromatosis; NEUROFIBROMATOSIS, TYPE I, SOMATIC. Identifiers: Orphanet 636, MedGen C0027831, MONDO:0018975, OMIM 162200. Disease mechanism: loss of function.

Submission:

Labcorp Genetics (formerly Invitae), Labcorp
Classification: Pathogenic for Neurofibromatosis, type 1. Last evaluated: 2023-08-18. Review status: criteria provided, single submitter. Criteria: Invitae Variant Classification Sherloc (09022015). Collection method: clinical testing. Allele origin: germline.
Comment: For these reasons, this variant has been classified as Pathogenic. This variant has not been reported in the literature in individuals affected with NF1-related conditions. This variant is not present in population databases (gnomAD no frequency). This sequence change creates a premature translational stop signal (p.Gly444Lysfs*3) in the NF1 gene. It is expected to result in an absent or disrupted protein product. Loss-of-function variants in NF1 are known to be pathogenic (PMID: 10712197, 23913538).

Literature cited by the submitters: PubMed 10712197; PubMed 23913538.

NM_001042492.3(NF1):c.1329_1330insAAAA (p.Gly444fs)

Gene: NF1 (neurofibromin 1; plus strand). Cytogenetic location: 17q11.2.
Variant type: Insertion.
Coding change: c.1329_1330insAAAA on transcript NM_001042492.3 (MANE Select); coding-DNA positions 1329 to 1330, AAAA inserted.
Protein change: p.Gly444fs; shifts the reading frame from glycine 444.
Molecular consequence: frameshift variant.
Genome position: GRCh38 VCF-style: chr17-31206308-T-TAAAA. GRCh37 (hg19) VCF-style: chr17-29533326-T-TAAAA.
Other names: c.1329_1330insAAAA, p.Gly444Lysfs (NM_000267.4); c.1329_1330insAAAA, p.Gly444fs (NM_001128147.3); short protein forms G444fs.
Identifiers: ClinVar variation 2849756 (VCV002849756.3), dbSNP rs2544811159, ClinGen allele CA2739267347.